The following is an entry in ClinVar:

NM_005996.4(TBX3):c.1969_1977del (p.Leu657_Ala659del)

Gene: TBX3 (T-box transcription factor 3; minus strand). Cytogenetic location: 12q24.21.
Variant type: Deletion.
Coding change: c.1969_1977del on transcript NM_005996.4 (MANE Select); coding-DNA positions 1969 to 1977, 9 bases deleted (CTGGCCGCC; older notation c.1969_1977delCTGGCCGCC).
Protein change: p.Leu657_Ala659del.
Genome position (GRCh38, 1-based): chr12:114,672,036-114,672,044, GGCGGCCAG deleted on the plus strand (CTGGCCGCC on the coding strand, the reverse complement: TBX3 is on the minus strand); deleting any 9 consecutive bases within chr12:114,672,036-114,672,050 gives the same sequence; the c. name uses the placement nearest the transcript's 3' end. VCF-style (leftmost placement, unchanged base first): chr12-114672035-TGGCGGCCAG-T. GRCh37 (hg19) VCF-style: chr12-115109840-TGGCGGCCAG-T.
Other names: c.2029_2037del, p.Leu677_Ala679del (NM_016569.4).
Identifiers: ClinVar variation 3687327 (VCV003687327.2).
Genomic context (GRCh38, chr12:114,672,035, plus strand): 5'-AGAGCGTGGAGGAGCGGCTGTTGAGTTCAGAGCCCGAGTCCACTGCCACCGAGGCCGGGC[TGGCGGCCAG>T]GGCGGCGACTTTGCCGTCCAGGGGCCCCGCGGCCGCCGCCATGGAGGGCAGGGCGGTGGT-3'

ClinVar aggregate classification (germline): Uncertain significance (1 of 4 stars; one submission).

Conditions:
Ulnar-mammary syndrome (UMS). Also called: SCHINZEL SYNDROME; Ulnar-mammary syndrome of Pallister; PALLISTER ULNAR-MAMMARY SYNDROME. Identifiers: Orphanet 3138, MedGen C1866994, MONDO:0008411, OMIM 181450.

Submission:

Labcorp Genetics (formerly Invitae), Labcorp
Classification: Uncertain significance for Ulnar-mammary syndrome. Last evaluated: 2024-11-13. Review status: criteria provided, single submitter. Criteria: Invitae Variant Classification Sherloc (09022015). Collection method: clinical testing. Allele origin: germline.
Comment: This variant, c.1969_1977del, results in the deletion of 3 amino acid(s) of the TBX3 protein (p.Leu657_Ala659del), but otherwise preserves the integrity of the reading frame. This variant is not present in population databases (gnomAD no frequency). This variant has not been reported in the literature in individuals affected with TBX3-related conditions. Experimental studies and prediction algorithms are not available or were not evaluated, and the functional significance of this variant is currently unknown. In summary, the available evidence is currently insufficient to determine the role of this variant in disease. Therefore, it has been classified as a Variant of Uncertain Significance.